The following is an entry in ClinVar:

NM_002693.3(POLG):c.193G>A (p.Glu65Lys)

Genes: POLG (DNA polymerase gamma, catalytic subunit; minus strand), POLGARF (POLG alternative reading frame; minus strand). Cytogenetic location: 15q26.1.
Variant type: single nucleotide variant.
Coding change: c.193G>A on transcript NM_002693.3 (MANE Select); coding-DNA position 193, G replaced by A.
Protein change: p.Glu65Lys; replaces glutamic acid 65 with lysine.
Molecular consequence: missense variant.
Genome position (GRCh38, 1-based): chr15:89,333,562, C>T on the plus strand (G>A on the coding strand, the complement: POLG is on the minus strand). VCF-style: chr15-89333562-C-T. GRCh37 (hg19) VCF-style: chr15-89876793-C-T.
Other names: c.248G>A, p.Gly83Glu (NM_001430120.1); c.193G>A, p.Glu65Lys (NM_001126131.2); short protein forms E65K, G83E.
Identifiers: ClinVar variation 3606006 (VCV003606006.2).
Genomic context (GRCh38, chr15:89,333,562, plus strand): 5'-CGTGCAGCCCTCTCGAGAGCATCTGGATGTCCAATGGGTTGTGCCGCAGCTGCCCGCCCT[C>T]CGAGGATAGCACTTGCGGCTGCTGAGGCTGCTGTTGCTGCTGCTGCTGCTGCTGCTGCTG-3'
Protein context (NP_002684.1, residues 55-75): QPQQPQVLSS[Glu65Lys]GGQLRHNPLD

ClinVar aggregate classification (germline): Uncertain significance (1 of 4 stars; one submission).

Conditions:
Progressive sclerosing poliodystrophy (MTDPS4A). Also called: ALPERS PROGRESSIVE INFANTILE POLIODYSTROPHY; NEURONAL DEGENERATION OF CHILDHOOD WITH LIVER DISEASE, PROGRESSIVE; Alpers Syndrome; ALPERS DIFFUSE DEGENERATION OF CEREBRAL GRAY MATTER WITH HEPATIC CIRRHOSIS; Alpers-Huttenlocher Syndrome; Mitochondrial DNA depletion syndrome 4A (Alpers type). Identifiers: Orphanet 726, MedGen C0205710, MONDO:0008758, OMIM 203700.

Submission:

Labcorp Genetics (formerly Invitae), Labcorp
Classification: Uncertain significance for Progressive sclerosing poliodystrophy. Last evaluated: 2024-02-02. Review status: criteria provided, single submitter. Criteria: Invitae Variant Classification Sherloc (09022015). Collection method: clinical testing. Allele origin: germline.
Comment: This sequence change replaces glutamic acid, which is acidic and polar, with lysine, which is basic and polar, at codon 65 of the POLG protein (p.Glu65Lys). This variant is not present in population databases (gnomAD no frequency). This variant has not been reported in the literature in individuals affected with POLG-related conditions. Advanced modeling of protein sequence and biophysical properties (such as structural, functional, and spatial information, amino acid conservation, physicochemical variation, residue mobility, and thermodynamic stability) performed at Invitae indicates that this missense variant is not expected to disrupt POLG protein function with a negative predictive value of 95%. In summary, the available evidence is currently insufficient to determine the role of this variant in disease. Therefore, it has been classified as a Variant of Uncertain Significance.